The following is an entry in ClinVar:

ClinVar aggregate classification (germline): Uncertain significance (1 of 4 stars; one submission).

Conditions:
Hereditary cancer-predisposing syndrome. Also called: Neoplastic Syndromes, Hereditary; Tumor predisposition; Hereditary neoplastic syndrome; Hereditary Cancer Syndrome. Identifiers: Orphanet 140162, MedGen C0027672, MeSH D009386, MONDO:0015356.

Submission:

Ambry Genetics
Classification: Uncertain significance for Hereditary cancer-predisposing syndrome. Last evaluated: 2026-07-30. Review status: criteria provided, single submitter. Criteria: Ambry Variant Classification Scheme 2023. Collection method: clinical testing. Allele origin: germline.
Comment: The c.-5G>A variant is located in the 5' untranslated region (5&rsquo; UTR) of the RET gene. This variant results from a G to A substitution 5 bases upstream from the first translated codon. This nucleotide position is well conserved in available vertebrate species. Based on the available evidence, the clinical significance of this variant remains unclear.

NM_020975.6(RET):c.-5G>A

Genes: RET (ret proto-oncogene; plus strand), LOC106736614 (RET 5' regulatory region; plus strand). Cytogenetic location: 10q11.21.
Variant type: single nucleotide variant.
Coding change: c.-5G>A on transcript NM_020975.6 (MANE Select); 5 bases upstream of the start codon, G replaced by A.
Molecular consequence: 5 prime UTR variant.
Genome position (GRCh38, 1-based): chr10:43,077,254, G>A. VCF-style: chr10-43077254-G-A. GRCh37 (hg19) VCF-style: chr10-43572702-G-A.
Other names: c.-5G>A (NM_001406743.1, NM_001406744.1, NM_001406759.1 and 36 more transcripts).
Identifiers: ClinVar variation 5028195 (VCV005028195.1).
Genomic context (GRCh38, chr10:43,077,254, plus strand): 5'-CCGCCATCCAGACCCGCCGGCCCTAGCCGCAGTCCCTCCAGCCGTGGCCCCAGCGCGCAC[G>A]GGCGATGGCGAAGGCGACGTCCGGTGCCGCGGGGCTGCGTCTGCTGTTGCTGCTGCTGCT-3'